The following is an entry in ClinVar:

ClinVar aggregate classification (germline): Uncertain significance. Review status: criteria provided, multiple submitters, no conflicts (2 of 4 stars). 2 submissions from 2 submitters: Uncertain significance (2). Last evaluated 2025-06-11.

Conditions:
Developmental and epileptic encephalopathy, 9 (DEE9). Also called: Early infantile epileptic encephalopathy 9; JUBERG-HELLMAN SYNDROME; PCDH19-Related X-Linked Female-Limited Epilepsy with Mental Retardation; EPILEPSY, FEMALE-RESTRICTED, WITH MENTAL RETARDATION. Identifiers: Orphanet 101039, Orphanet 2076, MedGen C1848137, MONDO:0010246, OMIM 300088. Disease mechanism: loss of function.

Submissions (2):

GeneDx
Classification: Uncertain significance. Last evaluated: 2025-06-11. Review status: criteria provided, single submitter. Criteria: GeneDx Variant Classification Process June 2021. Collection method: clinical testing. Allele origin: germline. Affected: yes.
Comment: Not observed at significant frequency in large population cohorts (gnomAD); In silico analysis supports that this missense variant has a deleterious effect on protein structure/function; Has not been previously published as pathogenic or benign to our knowledge

Labcorp Genetics (formerly Invitae), Labcorp
Classification: Uncertain significance for Developmental and epileptic encephalopathy, 9. Last evaluated: 2022-02-03. Review status: criteria provided, single submitter. Criteria: Invitae Variant Classification Sherloc (09022015). Collection method: clinical testing. Allele origin: germline.
Comment: Advanced modeling of protein sequence and biophysical properties (such as structural, functional, and spatial information, amino acid conservation, physicochemical variation, residue mobility, and thermodynamic stability) performed at Invitae indicates that this missense variant is expected to disrupt PCDH19 protein function. This sequence change replaces aspartic acid, which is acidic and polar, with histidine, which is basic and polar, at codon 320 of the PCDH19 protein (p.Asp320His). This variant is not present in population databases (gnomAD no frequency). This variant has not been reported in the literature in individuals affected with PCDH19-related conditions. ClinVar contains an entry for this variant (Variation ID: 1035896). In summary, the available evidence is currently insufficient to determine the role of this variant in disease. Therefore, it has been classified as a Variant of Uncertain Significance.

NM_001184880.2(PCDH19):c.958G>C (p.Asp320His)

Gene: PCDH19 (protocadherin 19; minus strand). Cytogenetic location: Xq22.1.
Variant type: single nucleotide variant.
Coding change: c.958G>C on transcript NM_001184880.2 (MANE Select); coding-DNA position 958, G replaced by C.
Protein change: p.Asp320His; replaces aspartic acid 320 with histidine.
Molecular consequence: missense variant.
Genome position (GRCh38, 1-based): chrX:100,407,640, C>G on the plus strand (G>C on the coding strand, the complement: PCDH19 is on the minus strand). VCF-style: chrX-100407640-C-G. GRCh37 (hg19) VCF-style: chrX-99662638-C-G.
Other names: c.958G>C (NM_001184880.1); c.958G>C, p.Asp320His (NM_001105243.2, NM_020766.3); short protein forms D320H.
Identifiers: ClinVar variation 1035896 (VCV001035896.10), dbSNP rs1928416953, ClinGen allele CA414004921.